The following is an entry in ClinVar:

ClinVar aggregate classification (germline): Pathogenic (1 of 4 stars; one submission).

Conditions:
Tuberous sclerosis 1 (TSC1). Identifiers: Orphanet 805, MedGen C1854465, MONDO:0008612, OMIM 191100.

Submission:

Labcorp Genetics (formerly Invitae), Labcorp
Classification: Pathogenic for Tuberous sclerosis 1. Last evaluated: 2023-05-02. Review status: criteria provided, single submitter. Criteria: Invitae Variant Classification Sherloc (09022015). Collection method: clinical testing. Allele origin: germline.
Comment: This sequence change affects an acceptor splice site in intron 4 of the TSC1 gene. It is expected to disrupt RNA splicing. Variants that disrupt the donor or acceptor splice site typically lead to a loss of protein function (PMID: 16199547), and loss-of-function variants in TSC1 are known to be pathogenic (PMID: 10227394, 17304050). For these reasons, this variant has been classified as Pathogenic. Algorithms developed to predict the effect of sequence changes on RNA splicing suggest that this variant may disrupt the consensus splice site. Disruption of this splice site has been observed in individuals with tuberous sclerosis (PMID: 10227394, 11112665; Invitae). This variant is not present in population databases (gnomAD no frequency).

Literature cited by the submitters: PubMed 16199547; PubMed 10227394; PubMed 17304050; PubMed 11112665.

NM_000368.5(TSC1):c.211-2A>G

Gene: TSC1 (TSC complex subunit 1; minus strand). Cytogenetic location: 9q34.13.
Variant type: single nucleotide variant.
Coding change: c.211-2A>G on transcript NM_000368.5 (MANE Select); the canonical splice acceptor site of the intron before coding-DNA position 211, A replaced by G.
Molecular consequence: splice acceptor variant. On other transcripts: intron variant (5).
Genome position (GRCh38, 1-based): chr9:132,925,741, T>C on the plus strand (A>G on the coding strand, the complement: TSC1 is on the minus strand). VCF-style: chr9-132925741-T-C. GRCh37 (hg19) VCF-style: chr9-135801128-T-C.
Other names: c.-153-2A>G (NM_001406620.1, NM_001406618.1, NM_001406625.1 and 5 more transcripts); c.210+1460A>G (NM_001406613.1, NM_001406612.1, NM_001406610.1 and 2 more transcripts); c.-667-2A>G (NM_001406627.1, NM_001406628.1, NM_001406626.1); c.-809-2A>G (NM_001406629.1); c.211-2A>G (NM_001406603.1, NM_001406609.1, NM_001406597.1 and 16 more transcripts); c.-245-2A>G (NM_001406614.1, NM_001406624.1, NM_001406616.1); c.-883-2A>G (NM_001406630.1); c.-278-2A>G (NM_001406623.1, NM_001406615.1).
Identifiers: ClinVar variation 2735359 (VCV002735359.3), dbSNP rs118203352, ClinGen allele CA375374901.
Genomic context (GRCh38, chr9:132,925,741, plus strand): 5'-AGGATGGATAAACGAGTGGCGGCTTTGCCCACATATTCGTTAATCCTGTCCAAGAGGTGC[T>C]GAAAATGTAAAAGAACAAGGGCAGTCCTCACATGAATGTATGAAGTTAACACAAATAAAG-3'